The following is an entry in ClinVar:

NM_017757.3(ZNF407):c.1133A>G (p.Gln378Arg)

Gene: ZNF407 (zinc finger protein 407; plus strand). Cytogenetic location: 18q22.3.
Variant type: single nucleotide variant.
Coding change: c.1133A>G on transcript NM_017757.3 (MANE Select); coding-DNA position 1133, A replaced by G.
Protein change: p.Gln378Arg; replaces glutamine 378 with arginine.
Molecular consequence: missense variant.
Genome position (GRCh38, 1-based): chr18:74,632,152, A>G. VCF-style: chr18-74632152-A-G. GRCh37 (hg19) VCF-style: chr18-72344108-A-G.
Other names: c.1133A>G, p.Gln378Arg (NM_001146189.1, NM_001146190.1, NM_001384475.1); short protein forms Q378R.
Identifiers: ClinVar variation 720513 (VCV000720513.29), dbSNP rs77518676, ClinGen allele CA9000301.
Genomic context (GRCh38, chr18:74,632,152, plus strand): 5'-AAGTAGAGATTGTTGAAGAACATGTTACTTCCCTTGGTCTAGCTCAGAATCCTGAAAACC[A>G]GAGTAGAAAGCTAGACACCTTAGTAACCTCAGAGGGTCTCTTAGAGAAATTGGAATCTAC-3'
Protein context (NP_060227.2, residues 368-388): SLGLAQNPEN[Gln378Arg]SRKLDTLVTS

ClinVar aggregate classification (germline): Conflicting classifications of pathogenicity. Review status: criteria provided, conflicting classifications (1 of 4 stars). 4 submissions from 4 submitters: Uncertain significance (1); Benign (2). 1 of the submissions does not count toward it. Last evaluated 2025-08-07.

Conditions:
ZNF407-related disorder. Also called: ZNF407-related condition.

Allele frequency attached by ClinVar (database versions not stated): gnomAD exomes 0.00033 and 0.00083; ExAC 0.00096; 1000 Genomes Project 30x 0.00281; 1000 Genomes Project 0.00300; gnomAD 0.00319 and 0.00344; ESP Exome Variant Server 0.00320; TOPMed 0.00388.
gnomAD v4.1: 989 of 1,614,032 alleles (0.061%); highest among the groups gnomAD compares: African/African-American, 1%; 10 homozygotes.

Submissions (4):

Ambry Genetics
Classification: Uncertain significance. Last evaluated: 2025-08-07. Review status: criteria provided, single submitter. Criteria: Ambry Variant Classification Scheme 2023. Collection method: clinical testing. Allele origin: germline.

CeGaT Center for Human Genetics Tuebingen
Classification: Benign. Last evaluated: 2023-11-01. Review status: criteria provided, single submitter. Criteria: CeGaT Center For Human Genetics Tuebingen Variant Classification Criteria Version 2. Collection method: clinical testing. Allele origin: germline. Affected: yes. Observed: 1 variant allele.
Comment: ZNF407: BP4, BS1, BS2

Labcorp Genetics (formerly Invitae), Labcorp
Classification: Benign. Last evaluated: 2019-12-31. Review status: criteria provided, single submitter. Criteria: Invitae Variant Classification Sherloc (09022015). Collection method: clinical testing. Allele origin: germline.

PreventionGenetics, part of Exact Sciences
Classification: Benign for ZNF407-related condition. Last evaluated: 2019-05-21. Review status: no assertion criteria provided. Collection method: clinical testing. Allele origin: germline. Not counted in ClinVar's aggregate classification.
Comment: This variant is classified as benign based on ACMG/AMP sequence variant interpretation guidelines (Richards et al. 2015 PMID: 25741868, with internal and published modifications).